The following is an entry in ClinVar:

NM_001184900.3(CARD8):c.334G>T (p.Gly112Trp)

Gene: CARD8 (caspase recruitment domain family member 8; minus strand). Cytogenetic location: 19q13.33.
Variant type: single nucleotide variant.
Coding change: c.334G>T on transcript NM_001184900.3 (MANE Select); coding-DNA position 334, G replaced by T.
Protein change: p.Gly112Trp; replaces glycine 112 with tryptophan.
Molecular consequence: missense variant. On other transcripts: synonymous variant (6), 5 prime UTR variant (1), non-coding transcript variant (4).
Genome position (GRCh38, 1-based): chr19:48,234,419, C>A on the plus strand (G>T on the coding strand, the complement: CARD8 is on the minus strand). VCF-style: chr19-48234419-C-A. GRCh37 (hg19) VCF-style: chr19-48737676-C-A.
Other names: c.184G>T, p.Gly62Trp (NM_001184901.1, NM_001351783.2, NM_001351788.2 and 2 more transcripts); c.334G>T, p.Gly112Trp (NM_001184902.2, NM_001184903.1, NM_001351782.2); c.60G>T, p.Leu20= (NM_001351784.2, NM_001351787.2, NM_001351791.2 and 2 more transcripts); c.-155G>T (NM_001351786.2); c.132G>T, p.Leu44= (NM_001351790.2); c.-448G>T (NM_001426741.1); short protein forms G112W, G62W.
Identifiers: ClinVar variation 2873536 (VCV002873536.3), dbSNP rs751520956, ClinGen allele CA406646875.

ClinVar aggregate classification (germline): Uncertain significance (1 of 4 stars; one submission).

gnomAD v4.1: 7 of 1,612,470 alleles (0.00043%); highest among the groups gnomAD compares: Admixed American, 0.0034%; no homozygotes.

Submission:

Labcorp Genetics (formerly Invitae), Labcorp
Classification: Uncertain significance. Last evaluated: 2024-04-22. Review status: criteria provided, single submitter. Criteria: Invitae Variant Classification Sherloc (09022015). Collection method: clinical testing. Allele origin: germline.
Comment: This sequence change replaces glycine, which is neutral and non-polar, with tryptophan, which is neutral and slightly polar, at codon 62 of the CARD8 protein (p.Gly62Trp). This variant is present in population databases (no rsID available, gnomAD 0.003%). This variant has not been reported in the literature in individuals affected with CARD8-related conditions. An algorithm developed to predict the effect of missense changes on protein structure and function (PolyPhen-2) suggests that this variant is likely to be disruptive. In summary, the available evidence is currently insufficient to determine the role of this variant in disease. Therefore, it has been classified as a Variant of Uncertain Significance.